The following is an entry in ClinVar:

NM_015346.4(ZFYVE26):c.4633G>T (p.Glu1545Ter)

Gene: ZFYVE26 (zinc finger FYVE-type containing 26; minus strand). Cytogenetic location: 14q24.1.
Variant type: single nucleotide variant.
Coding change: c.4633G>T on transcript NM_015346.4 (MANE Select); coding-DNA position 4633, G replaced by T.
Protein change: p.Glu1545Ter; replaces glutamic acid 1545 with a stop codon.
Molecular consequence: nonsense.
Genome position (GRCh38, 1-based): chr14:67,780,282, C>A on the plus strand (G>T on the coding strand, the complement: ZFYVE26 is on the minus strand). VCF-style: chr14-67780282-C-A. GRCh37 (hg19) VCF-style: chr14-68246999-C-A.
Other names: short protein forms E1545*.
Identifiers: ClinVar variation 803036 (VCV000803036.5), dbSNP rs763869212, ClinGen allele CA7239711.

ClinVar aggregate classification (germline): Pathogenic. Review status: criteria provided, multiple submitters, no conflicts (2 of 4 stars). 2 submissions from 2 submitters: Pathogenic (2). Last evaluated 2023-09-27.

Conditions:
Spastic paraplegia. Identifiers: MedGen C0037772, HP:0001258.
Hereditary spastic paraplegia 15 (SPG15). Also called: KJELLIN SYNDROME; SPASTIC PARAPLEGIA 15, AUTOSOMAL RECESSIVE; SPASTIC PARAPLEGIA AND RETINAL DEGENERATION. Identifiers: Orphanet 100996, MedGen C1849128, MONDO:0010044, OMIM 270700.

Allele frequency attached by ClinVar (database versions not stated): ExAC below 0.00001.

Submissions (2):

Labcorp Genetics (formerly Invitae), Labcorp
Classification: Pathogenic for Spastic paraplegia. Last evaluated: 2023-09-27. Review status: criteria provided, single submitter. Criteria: Invitae Variant Classification Sherloc (09022015). Collection method: clinical testing. Allele origin: germline.
Comment: For these reasons, this variant has been classified as Pathogenic. ClinVar contains an entry for this variant (Variation ID: 803036). This variant has not been reported in the literature in individuals affected with ZFYVE26-related conditions. This variant is not present in population databases (gnomAD no frequency). This sequence change creates a premature translational stop signal (p.Glu1545*) in the ZFYVE26 gene. It is expected to result in an absent or disrupted protein product. Loss-of-function variants in ZFYVE26 are known to be pathogenic (PMID: 18394578, 19805727).

Mendelics
Classification: Pathogenic for Hereditary spastic paraplegia 15. Last evaluated: 2019-05-28. Review status: criteria provided, single submitter. Criteria: Mendelics Assertion Criteria 2017. Collection method: clinical testing. Allele origin: unknown.

Literature cited by the submitters: PubMed 18394578 (cited by Labcorp Genetics (formerly Invitae), Labcorp); PubMed 19805727 (cited by Labcorp Genetics (formerly Invitae), Labcorp).